The following is an entry in ClinVar:

ClinVar aggregate classification (germline): Uncertain significance. Review status: criteria provided, multiple submitters, no conflicts (2 of 4 stars). 2 submissions from 2 submitters: Uncertain significance (2). Last evaluated 2023-11-06.

Conditions:
Inborn genetic diseases. Identifiers: MedGen C0950123, MeSH D030342.
Early-infantile DEE. Also called: Early infantile epileptic encephalopathy with suppression bursts; Early infantile epileptic encephalopathy; Ohtahara syndrome. Identifiers: Orphanet 1934, MedGen C0393706, MONDO:0800491.

Allele frequency attached by ClinVar (database versions not stated): gnomAD exomes below 0.00001 and 0.00001; ExAC 0.00002; gnomAD 0.00003 and 0.00004; TOPMed 0.00005.
gnomAD v4.1: 11 of 1,614,024 alleles (0.00068%); highest among the groups gnomAD compares: African/African-American, 0.012%; no homozygotes.

Submissions (2):

Labcorp Genetics (formerly Invitae), Labcorp
Classification: Uncertain significance for Early-infantile DEE. Last evaluated: 2023-11-06. Review status: criteria provided, single submitter. Criteria: Invitae Variant Classification Sherloc (09022015). Collection method: clinical testing. Allele origin: germline.
Comment: This sequence change replaces glutamic acid, which is acidic and polar, with glycine, which is neutral and non-polar, at codon 565 of the KCNH5 protein (p.Glu565Gly). This variant is present in population databases (rs781050144, gnomAD 0.02%). This variant has not been reported in the literature in individuals affected with KCNH5-related conditions. ClinVar contains an entry for this variant (Variation ID: 1356384). Advanced modeling of protein sequence and biophysical properties (such as structural, functional, and spatial information, amino acid conservation, physicochemical variation, residue mobility, and thermodynamic stability) performed at Invitae indicates that this missense variant is not expected to disrupt KCNH5 protein function with a negative predictive value of 95%. In summary, the available evidence is currently insufficient to determine the role of this variant in disease. Therefore, it has been classified as a Variant of Uncertain Significance.

Ambry Genetics
Classification: Uncertain significance for Inborn genetic diseases. Last evaluated: 2022-04-13. Review status: criteria provided, single submitter. Criteria: Ambry Variant Classification Scheme 2023. Collection method: clinical testing. Allele origin: germline.

NM_139318.5(KCNH5):c.1694A>G (p.Glu565Gly)

Gene: KCNH5 (potassium voltage-gated channel subfamily H member 5; minus strand). Cytogenetic location: 14q23.2.
Variant type: single nucleotide variant.
Coding change: c.1694A>G on transcript NM_139318.5 (MANE Select); coding-DNA position 1694, A replaced by G.
Protein change: p.Glu565Gly; replaces glutamic acid 565 with glycine.
Molecular consequence: missense variant.
Genome position (GRCh38, 1-based): chr14:62,802,457, T>C on the plus strand (A>G on the coding strand, the complement: KCNH5 is on the minus strand). VCF-style: chr14-62802457-T-C. GRCh37 (hg19) VCF-style: chr14-63269175-T-C.
Other names: c.1694A>G, p.Glu565Gly (NM_172375.3); c.1694A>G (NM_139318.3); short protein forms E565G.
Identifiers: ClinVar variation 1356384 (VCV001356384.10), dbSNP rs781050144, ClinGen allele CA7217420.